The following is an entry in ClinVar:

ClinVar aggregate classification (germline): Uncertain significance (1 of 4 stars; one submission).

Conditions:
Lymphoproliferative syndrome 2 (LPFS2). Also called: Combined immunodeficiency due to CD27 deficiency; CD27 DEFICIENCY. Identifiers: Orphanet 238505, MedGen C3554540, MONDO:0014054, OMIM 615122.

Allele frequency attached by ClinVar (database versions not stated): ExAC 0.00001; TOPMed 0.00006.
gnomAD v4.1: 23 of 1,611,276 alleles (0.0014%); highest among the groups gnomAD compares: East Asian, 0.0022%; no homozygotes.

Submission:

Labcorp Genetics (formerly Invitae), Labcorp
Classification: Uncertain significance for Lymphoproliferative syndrome 2. Last evaluated: 2024-05-29. Review status: criteria provided, single submitter. Criteria: Invitae Variant Classification Sherloc (09022015). Collection method: clinical testing. Allele origin: germline.
Comment: This sequence change replaces proline, which is neutral and non-polar, with serine, which is neutral and polar, at codon 180 of the CD27 protein (p.Pro180Ser). This variant is present in population databases (rs757920860, gnomAD 0.01%). This variant has not been reported in the literature in individuals affected with CD27-related conditions. ClinVar contains an entry for this variant (Variation ID: 965024). Algorithms developed to predict the effect of missense changes on protein structure and function output the following: SIFT: "Not Available"; PolyPhen-2: "Benign"; Align-GVGD: "Not Available". The serine amino acid residue is found in multiple mammalian species, which suggests that this missense change does not adversely affect protein function. In summary, the available evidence is currently insufficient to determine the role of this variant in disease. Therefore, it has been classified as a Variant of Uncertain Significance.

NM_001242.5(CD27):c.538C>T (p.Pro180Ser)

Genes: CD27-AS1 (CD27 antisense RNA 1; minus strand), CD27 (CD27 molecule; plus strand). Cytogenetic location: 12p13.31.
Variant type: single nucleotide variant.
Coding change: c.538C>T on transcript NM_001242.5 (MANE Select); coding-DNA position 538, C replaced by T.
Protein change: p.Pro180Ser; replaces proline 180 with serine.
Molecular consequence: missense variant. On other transcripts: non-coding transcript variant (1).
Genome position (GRCh38, 1-based): chr12:6,450,630, C>T. VCF-style: chr12-6450630-C-T. GRCh37 (hg19) VCF-style: chr12-6559796-C-T.
Other names: short protein forms P180S.
Identifiers: ClinVar variation 965024 (VCV000965024.7), dbSNP rs757920860, ClinGen allele CA6407011.